The following is an entry in ClinVar:

ClinVar aggregate classification (germline): Uncertain significance (1 of 4 stars; one submission).

Conditions:
Hereditary cancer-predisposing syndrome. Also called: Neoplastic Syndromes, Hereditary; Hereditary Cancer Syndrome; Hereditary neoplastic syndrome; Tumor predisposition. Identifiers: Orphanet 140162, MedGen C0027672, MeSH D009386, MONDO:0015356.

Submission:

Ambry Genetics
Classification: Uncertain significance for Hereditary cancer-predisposing syndrome. Last evaluated: 2023-04-03. Review status: criteria provided, single submitter. Criteria: Ambry Variant Classification Scheme 2023. Collection method: clinical testing. Allele origin: germline.
Comment: The p.M352L variant (also known as c.1054A>T), located in coding exon 6 of the FLCN gene, results from an A to T substitution at nucleotide position 1054. The methionine at codon 352 is replaced by leucine, an amino acid with highly similar properties. This amino acid position is conserved. In addition, the in silico prediction for this alteration is inconclusive. Since supporting evidence is limited at this time, the clinical significance of this alteration remains unclear.

NM_144997.7(FLCN):c.1054A>T (p.Met352Leu)

Gene: FLCN (folliculin; minus strand). Cytogenetic location: 17p11.2.
Variant type: single nucleotide variant.
Coding change: c.1054A>T on transcript NM_144997.7 (MANE Select); coding-DNA position 1054, A replaced by T.
Protein change: p.Met352Leu; replaces methionine 352 with leucine.
Molecular consequence: missense variant.
Genome position (GRCh38, 1-based): chr17:17,219,027, T>A on the plus strand (A>T on the coding strand, the complement: FLCN is on the minus strand). VCF-style: chr17-17219027-T-A. GRCh37 (hg19) VCF-style: chr17-17122341-T-A.
Other names: c.1108A>T, p.Met370Leu (NM_001353229.2); c.1054A>T, p.Met352Leu (NM_001353230.2, NM_001353231.2); short protein forms M370L, M352L.
Identifiers: ClinVar variation 2566315 (VCV002566315.2), dbSNP rs2544193073, ClinGen allele CA398532633.